The following is an entry in ClinVar:

NM_152722.5(HEPACAM):c.949G>T (p.Asp317Tyr)

Gene: HEPACAM (hepatic and glial cell adhesion molecule; minus strand). Cytogenetic location: 11q24.2.
Variant type: single nucleotide variant.
Coding change: c.949G>T on transcript NM_152722.5 (MANE Select); coding-DNA position 949, G replaced by T.
Protein change: p.Asp317Tyr; replaces aspartic acid 317 with tyrosine.
Molecular consequence: missense variant.
Genome position (GRCh38, 1-based): chr11:124,921,440, C>A on the plus strand (G>T on the coding strand, the complement: HEPACAM is on the minus strand). VCF-style: chr11-124921440-C-A. GRCh37 (hg19) VCF-style: chr11-124791336-C-A.
Other names: c.1105G>T, p.Asp369Tyr (NM_001411043.1); short protein forms D317Y, D369Y.
Identifiers: ClinVar variation 3370712 (VCV003370712.1).
Genomic context (GRCh38, chr11:124,921,440, plus strand): 5'-GGCCGGGCTCCGTCGCGCTTCGAGGCTCCGGGGCCGGGTTCTCCTCGGTCTCCGGGGAGT[C>A]CTGCAAGGACACGCGCCGCAGGGGTCAGGGGACAGTCAGCCCAGCCTGGGAGCGCGCCTG-3'
Protein context (NP_689935.2, residues 307-327): PMALYILKDK[Asp317Tyr]SPETEENPAP

ClinVar aggregate classification (germline): Uncertain significance (1 of 4 stars; one submission).

Submission:

GeneDx
Classification: Uncertain significance. Last evaluated: 2024-03-07. Review status: criteria provided, single submitter. Criteria: GeneDx Variant Classification Process June 2021. Collection method: clinical testing. Allele origin: germline. Affected: yes.
Comment: Not observed at significant frequency in large population cohorts (gnomAD); In silico analysis supports that this missense variant does not alter protein structure/function; Has not been previously published as pathogenic or benign to our knowledge